The following is an entry in ClinVar:

NM_201548.5(CERKL):c.1034G>A (p.Arg345Gln)

Gene: CERKL (CERK like autophagy regulator; minus strand). Cytogenetic location: 2q31.3.
Variant type: single nucleotide variant.
Coding change: c.1034G>A on transcript NM_201548.5 (MANE Select); coding-DNA position 1034, G replaced by A.
Protein change: p.Arg345Gln; replaces arginine 345 with glutamine.
Molecular consequence: missense variant. On other transcripts: non-coding transcript variant (2).
Genome position (GRCh38, 1-based): chr2:181,548,719, C>T on the plus strand (G>A on the coding strand, the complement: CERKL is on the minus strand). VCF-style: chr2-181548719-C-T. GRCh37 (hg19) VCF-style: chr2-182413446-C-T.
Other names: c.1112G>A, p.Arg371Gln (NM_001030311.3); c.695G>A, p.Arg232Gln (NM_001030312.3); c.827G>A, p.Arg276Gln (NM_001030313.3); c.980G>A, p.Arg327Gln (NM_001160277.2); short protein forms R345Q, R371Q, R232Q, R276Q, R327Q.
Identifiers: ClinVar variation 166845 (VCV000166845.22), dbSNP rs727503856, ClinGen allele CA233687.

ClinVar aggregate classification (germline): Uncertain significance. Review status: criteria provided, multiple submitters, no conflicts (2 of 4 stars). 4 submissions from 4 submitters: Uncertain significance (3). 1 of the submissions does not count toward it. Last evaluated 2024-07-29.

Conditions:
Retinitis pigmentosa 26 (RP26). Identifiers: Orphanet 791, MedGen C1842127, MONDO:0012024, OMIM 608380.

Allele frequency attached by ClinVar (database versions not stated): TOPMed below 0.00001; gnomAD exomes 0.00001; gnomAD 0.00001.
gnomAD v4.1: 8 of 1,613,872 alleles (0.0005%); highest among the groups gnomAD compares: East Asian, 0.0022%; no homozygotes.

Submissions (4):

Labcorp Genetics (formerly Invitae), Labcorp
Classification: Uncertain significance. Last evaluated: 2024-07-29. Review status: criteria provided, single submitter. Criteria: Invitae Variant Classification Sherloc (09022015). Collection method: clinical testing. Allele origin: germline.
Comment: This sequence change replaces arginine, which is basic and polar, with glutamine, which is neutral and polar, at codon 371 of the CERKL protein (p.Arg371Gln). This variant is not present in population databases (gnomAD no frequency). This variant has not been reported in the literature in individuals affected with CERKL-related conditions. ClinVar contains an entry for this variant (Variation ID: 166845). Advanced modeling of protein sequence and biophysical properties (such as structural, functional, and spatial information, amino acid conservation, physicochemical variation, residue mobility, and thermodynamic stability) performed at Invitae indicates that this missense variant is expected to disrupt CERKL protein function with a positive predictive value of 80%. In summary, the available evidence is currently insufficient to determine the role of this variant in disease. Therefore, it has been classified as a Variant of Uncertain Significance.

Fulgent Genetics
Classification: Uncertain significance for Retinitis pigmentosa 26. Last evaluated: 2018-10-31. Review status: criteria provided, single submitter. Criteria: ACMG Guidelines, 2015. Collection method: clinical testing. Allele origin: unknown.

Eurofins Ntd Llc (ga)
Classification: Uncertain significance. Last evaluated: 2014-04-26. Review status: criteria provided, single submitter. Criteria: EGL Classification Definitions 2015. Collection method: clinical testing. Allele origin: germline. Observed: 1 variant allele, 1 heterozygote.

Natera, Inc.
Classification: Uncertain significance for Retinitis Pigmentosa 26. Last evaluated: 2021-01-20. Review status: no assertion criteria provided. Collection method: clinical testing. Allele origin: germline. Not counted in ClinVar's aggregate classification.